The following is an entry in ClinVar:

ClinVar aggregate classification (germline): Benign/Likely benign. Review status: criteria provided, multiple submitters, no conflicts (2 of 4 stars). 8 submissions from 8 submitters: Benign (3); Likely benign (4). 1 of the submissions does not count toward it. Last evaluated 2026-02-04.

Conditions:
Autoinflammatory syndrome, familial, Behcet-like 1 (AIFBL1). Also called: Haploinsufficiency of A20. Identifiers: Orphanet 674762, MedGen C4225218, MONDO:0800045, OMIM 616744.

Allele frequency attached by ClinVar (database versions not stated): gnomAD 0.12747 and 0.13432; 1000 Genomes Project 0.13958; TOPMed 0.14020; ESP Exome Variant Server 0.14193; 1000 Genomes Project 30x 0.14694.
gnomAD v4.1: 81,419 of 1,614,106 alleles (5%); highest among the groups gnomAD compares: African/African-American, 36%; 6,197 homozygotes.

Submissions (8):

Labcorp Genetics (formerly Invitae), Labcorp
Classification: Likely benign. Last evaluated: 2026-02-04. Review status: criteria provided, single submitter. Criteria: Invitae Variant Classification Sherloc (09022015). Collection method: clinical testing. Allele origin: germline.

Women's Health and Genetics/Laboratory Corporation of America, LabCorp
Classification: Likely benign. Last evaluated: 2026-01-21. Review status: criteria provided, single submitter. Criteria: LabCorp Variant Classification Summary - May 2015. Collection method: clinical testing. Allele origin: germline.

ARUP Laboratories, Molecular Genetics and Genomics, ARUP Laboratories
Classification: Benign for Autoinflammatory syndrome, familial, Behcet-like 1. Last evaluated: 2025-07-29. Review status: criteria provided, single submitter. Criteria: ARUP Molecular Germline Variant Investigation Process 2024. Collection method: clinical testing. Allele origin: germline.

Blueprint Genetics
Classification: Likely benign. Last evaluated: 2024-11-26. Review status: criteria provided, single submitter. Criteria: ACMG Guidelines, 2015. Collection method: clinical testing. Allele origin: germline.

GeneDx
Classification: Benign. Last evaluated: 2019-04-30. Review status: criteria provided, single submitter. Criteria: GeneDx Variant Classification Process June 2021. Collection method: clinical testing. Allele origin: germline. Affected: yes.
Comment: This variant is associated with the following publications: (PMID: 31131138, 30529365, 26338037, 26502338, 19165918, 24023622, 24728327, 20169177, 19838193, 19165919, 19774492, 20617138, 20483768, 22924496, 21326317, 24159176, 20112363, 23261300)

Mayo Clinic Laboratories, Mayo Clinic
Classification: Benign. Last evaluated: 2019-03-19. Review status: criteria provided, single submitter. Criteria: ACMG Guidelines, 2015. Collection method: clinical testing. Allele origin: germline. Observed: 110 variant alleles.

Breakthrough Genomics
Classification: Likely benign. Review status: criteria provided, single submitter. Criteria: ACMG Guidelines, 2015. Collection method: not provided. Allele origin: germline. Inheritance: Autosomal dominant inheritance. Affected: yes.

ITMI
No classification provided. Condition: AllHighlyPenetrant. Last evaluated: 2013-09-19. Review status: no classification provided. Collection method: reference population. Allele origin: germline. Not counted in ClinVar's aggregate classification.
Comment: Please see associated publication for description of ethnicities

Literature cited by the submitters: PubMed 24728327 (cited by ITMI).

NM_001270508.2(TNFAIP3):c.380T>G (p.Phe127Cys)

Gene: TNFAIP3 (TNF alpha induced protein 3; plus strand). Cytogenetic location: 6q23.3.
Variant type: single nucleotide variant.
Coding change: c.380T>G on transcript NM_001270508.2 (MANE Select); coding-DNA position 380, T replaced by G.
Protein change: p.Phe127Cys; replaces phenylalanine 127 with cysteine.
Molecular consequence: missense variant.
Genome position (GRCh38, 1-based): chr6:137,874,929, T>G. VCF-style: chr6-137874929-T-G. GRCh37 (hg19) VCF-style: chr6-138196066-T-G.
Other names: c.380T>G, p.Phe127Cys (NM_001270507.2, NM_006290.4); short protein forms F127C.
Identifiers: ClinVar variation 135334 (VCV000135334.31), dbSNP rs2230926, ClinGen allele CA162415.